The following is an entry in ClinVar:

ClinVar aggregate classification (germline): Uncertain significance (1 of 4 stars; one submission).

Conditions:
Lymphoproliferative syndrome 1 (LPFS1). Identifiers: Orphanet 238505, Orphanet 538963, MedGen C3552634, MONDO:0013081, OMIM 613011.

Submission:

Labcorp Genetics (formerly Invitae), Labcorp
Classification: Uncertain significance for Lymphoproliferative syndrome 1. Last evaluated: 2022-01-11. Review status: criteria provided, single submitter. Criteria: Invitae Variant Classification Sherloc (09022015). Collection method: clinical testing. Allele origin: germline.
Comment: In summary, the available evidence is currently insufficient to determine the role of this variant in disease. Therefore, it has been classified as a Variant of Uncertain Significance. Algorithms developed to predict the effect of missense changes on protein structure and function (SIFT, PolyPhen-2, Align-GVGD) all suggest that this variant is likely to be disruptive. This variant has not been reported in the literature in individuals affected with ITK-related conditions. This variant is not present in population databases (gnomAD no frequency). This sequence change replaces aspartic acid, which is acidic and polar, with valine, which is neutral and non-polar, at codon 510 of the ITK protein (p.Asp510Val).

NM_005546.4(ITK):c.1529A>T (p.Asp510Val)

Gene: ITK (IL2 inducible T cell kinase; plus strand). Cytogenetic location: 5q33.3.
Variant type: single nucleotide variant.
Coding change: c.1529A>T on transcript NM_005546.4 (MANE Select); coding-DNA position 1529, A replaced by T.
Protein change: p.Asp510Val; replaces aspartic acid 510 with valine.
Molecular consequence: missense variant.
Genome position (GRCh38, 1-based): chr5:157,245,895, A>T. VCF-style: chr5-157245895-A-T. GRCh37 (hg19) VCF-style: chr5-156672905-A-T.
Other names: short protein forms D510V.
Identifiers: ClinVar variation 2057893 (VCV002057893.4), dbSNP rs2532158584, ClinGen allele CA361962327.